The following is an entry in ClinVar:

ClinVar aggregate classification (germline): Uncertain significance. Review status: criteria provided, multiple submitters, no conflicts (2 of 4 stars). 2 submissions from 2 submitters: Uncertain significance (2). Last evaluated 2025-05-06.

Conditions:
Inborn genetic diseases. Identifiers: MedGen C0950123, MeSH D030342.
Hyperammonemia, type III (NAGSD). Also called: Hyperammonemia due to N-acetylglutamate synthase deficiency. Identifiers: Orphanet 927, MedGen C0268543, MONDO:0009377, OMIM 237310.

Allele frequency attached by ClinVar (database versions not stated): gnomAD exomes 0.00004 and 0.00007; TOPMed 0.00005; gnomAD 0.00006.

Submissions (2):

Ambry Genetics
Classification: Uncertain significance for Inborn genetic diseases. Last evaluated: 2025-05-06. Review status: criteria provided, single submitter. Criteria: Ambry Variant Classification Scheme 2023. Collection method: clinical testing. Allele origin: germline.

Labcorp Genetics (formerly Invitae), Labcorp
Classification: Uncertain significance for Hyperammonemia, type III. Last evaluated: 2022-10-24. Review status: criteria provided, single submitter. Criteria: Invitae Variant Classification Sherloc (09022015). Collection method: clinical testing. Allele origin: germline.
Comment: This sequence change replaces serine, which is neutral and polar, with leucine, which is neutral and non-polar, at codon 97 of the NAGS protein (p.Ser97Leu). This variant is present in population databases (rs746624443, gnomAD 0.01%). This variant has not been reported in the literature in individuals affected with NAGS-related conditions. ClinVar contains an entry for this variant (Variation ID: 1371630). Advanced modeling of protein sequence and biophysical properties (such as structural, functional, and spatial information, amino acid conservation, physicochemical variation, residue mobility, and thermodynamic stability) performed at Invitae indicates that this missense variant is not expected to disrupt NAGS protein function. In summary, the available evidence is currently insufficient to determine the role of this variant in disease. Therefore, it has been classified as a Variant of Uncertain Significance.

NM_153006.3(NAGS):c.290C>T (p.Ser97Leu)

Gene: NAGS (N-acetylglutamate synthase; plus strand). Cytogenetic location: 17q21.31.
Variant type: single nucleotide variant.
Coding change: c.290C>T on transcript NM_153006.3 (MANE Select); coding-DNA position 290, C replaced by T.
Protein change: p.Ser97Leu; replaces serine 97 with leucine.
Molecular consequence: missense variant.
Genome position (GRCh38, 1-based): chr17:44,004,953, C>T. VCF-style: chr17-44004953-C-T. GRCh37 (hg19) VCF-style: chr17-42082321-C-T.
Other names: c.290C>T (NM_153006.2); short protein forms S97L.
Identifiers: ClinVar variation 1371630 (VCV001371630.6), dbSNP rs746624443, ClinGen allele CA8595115.